The following is an entry in ClinVar:

NM_000760.4(CSF3R):c.1358A>G (p.Asn453Ser)

Gene: CSF3R (colony stimulating factor 3 receptor; minus strand). Cytogenetic location: 1p34.3.
Variant type: single nucleotide variant.
Coding change: c.1358A>G on transcript NM_000760.4 (MANE Select); coding-DNA position 1358, A replaced by G.
Protein change: p.Asn453Ser; replaces asparagine 453 with serine.
Molecular consequence: missense variant.
Genome position (GRCh38, 1-based): chr1:36,469,768, T>C on the plus strand (A>G on the coding strand, the complement: CSF3R is on the minus strand). VCF-style: chr1-36469768-T-C. GRCh37 (hg19) VCF-style: chr1-36935369-T-C.
Other names: c.1358A>G, p.Asn453Ser (NM_156039.3, NM_172313.3, LRG_144t1); short protein forms N453S.
Identifiers: ClinVar variation 654065 (VCV000654065.24), dbSNP rs763953521, ClinGen allele CA769212.
Genomic context (GRCh38, chr1:36,469,768, plus strand): 5'-CTATTGCTCGCGCTGGGGGGGCCCAGGCCCCACTCAATCACATAGCCCTGAGGCCATGGA[T>C]TGGGGGGCTCCCAGCCTACCCAGAGGCTGTGAGGGTCTCGGGCCATGGCATGGAGTCTGG-3'
Protein context (NP_000751.1, residues 443-463): HSLWVGWEPP[Asn453Ser]PWPQGYVIEW

ClinVar aggregate classification (germline): Uncertain significance. Review status: criteria provided, multiple submitters, no conflicts (2 of 4 stars). 2 submissions from 2 submitters: Uncertain significance (2). Last evaluated 2025-10-22.

Conditions:
Autosomal recessive severe congenital neutropenia due to CSF3R deficiency. Also called: Neutropenia, severe congenital, 7, autosomal recessive. Identifiers: Orphanet 420702, MedGen C4310764, MONDO:0014865, OMIM 617014.

Allele frequency attached by ClinVar (database versions not stated): ExAC 0.00004; TOPMed 0.00006; gnomAD exomes 0.00007.
gnomAD v4.1: 112 of 1,613,730 alleles (0.0069%); highest among the groups gnomAD compares: South Asian, 0.0088%; no homozygotes.

Submissions (2):

Labcorp Genetics (formerly Invitae), Labcorp
Classification: Uncertain significance for Autosomal recessive severe congenital neutropenia due to CSF3R deficiency. Last evaluated: 2025-10-22. Review status: criteria provided, single submitter. Criteria: Invitae Variant Classification Sherloc (09022015). Collection method: clinical testing. Allele origin: germline.
Comment: This sequence change replaces asparagine, which is neutral and polar, with serine, which is neutral and polar, at codon 453 of the CSF3R protein (p.Asn453Ser). This variant is present in population databases (rs763953521, gnomAD 0.05%). This variant has not been reported in the literature in individuals affected with CSF3R-related conditions. ClinVar contains an entry for this variant (Variation ID: 654065). Invitae Evidence Modeling of protein sequence and biophysical properties (such as structural, functional, and spatial information, amino acid conservation, physicochemical variation, residue mobility, and thermodynamic stability) indicates that this missense variant is not expected to disrupt CSF3R protein function with a negative predictive value of 80%. In summary, the available evidence is currently insufficient to determine the role of this variant in disease. Therefore, it has been classified as a Variant of Uncertain Significance.

CeGaT Center for Human Genetics Tuebingen
Classification: Uncertain significance. Last evaluated: 2024-10-01. Review status: criteria provided, single submitter. Criteria: CeGaT Center For Human Genetics Tuebingen Variant Classification Criteria Version 2. Collection method: clinical testing. Allele origin: germline. Affected: yes. Observed: 1 variant allele.
Comment: CSF3R: PM2, BP4